The following is an entry in ClinVar:

ClinVar aggregate classification (germline): Uncertain significance (1 of 4 stars; one submission).

Conditions:
Cardiovascular phenotype. Identifiers: MedGen CN230736.

Submission:

Ambry Genetics
Classification: Uncertain significance for Cardiovascular phenotype. Last evaluated: 2025-11-24. Review status: criteria provided, single submitter. Criteria: Ambry Variant Classification Scheme 2023. Collection method: clinical testing. Allele origin: germline.
Comment: The p.S295C variant (also known as c.884C>G), located in coding exon 7 of the SPRED1 gene, results from a C to G substitution at nucleotide position 884. The serine at codon 295 is replaced by cysteine, an amino acid with dissimilar properties. This amino acid position is conserved. In addition, this alteration is predicted to be tolerated by in silico analysis. Based on the available evidence, the clinical significance of this variant remains unclear.

NM_152594.3(SPRED1):c.884C>G (p.Ser295Cys)

Gene: SPRED1 (sprouty related EVH1 domain containing 1; plus strand). Cytogenetic location: 15q14.
Variant type: single nucleotide variant.
Coding change: c.884C>G on transcript NM_152594.3 (MANE Select); coding-DNA position 884, C replaced by G.
Protein change: p.Ser295Cys; replaces serine 295 with cysteine.
Molecular consequence: missense variant.
Genome position (GRCh38, 1-based): chr15:38,351,213, C>G. VCF-style: chr15-38351213-C-G. GRCh37 (hg19) VCF-style: chr15-38643414-C-G.
Other names: short protein forms S295C.
Identifiers: ClinVar variation 4615038 (VCV004615038.1).
Genomic context (GRCh38, chr15:38,351,213, plus strand): 5'-ATGCTGATTCCAGTATTCAGTTTTCTAAACCAGACAGTAAAAAATCAGACTATCTGTACT[C>G]TTGTGGGGATGAGACTAAGTTAAGTTCACCCAAAGACTCTGTGGTATTTAAGACGCAGCC-3'
Protein context (NP_689807.1, residues 285-305): PDSKKSDYLY[Ser295Cys]CGDETKLSSP